The following is an entry in ClinVar:

NM_000020.3(ACVRL1):c.1378G>A (p.Val460Ile)

Gene: ACVRL1 (activin A receptor like type 1; plus strand). Cytogenetic location: 12q13.13.
Variant type: single nucleotide variant.
Coding change: c.1378G>A on transcript NM_000020.3 (MANE Select); coding-DNA position 1378, G replaced by A.
Protein change: p.Val460Ile; replaces valine 460 with isoleucine.
Molecular consequence: missense variant.
Genome position (GRCh38, 1-based): chr12:51,920,759, G>A. VCF-style: chr12-51920759-G-A. GRCh37 (hg19) VCF-style: chr12-52314543-G-A.
Other names: c.1378G>A, p.Val460Ile (NM_001077401.2, NM_001406487.1); c.1222G>A, p.Val408Ile (NM_001406490.1); c.1066G>A, p.Val356Ile (NM_001406491.1, NM_001406492.1); c.868G>A, p.Val290Ile (NM_001406494.1); c.814G>A, p.Val272Ile (NM_001406495.1); short protein forms V272I, V290I, V356I, V408I, V460I.
Identifiers: ClinVar variation 3356979 (VCV003356979.1).

ClinVar aggregate classification (germline): Uncertain significance (0 of 4 stars; one submission).

Conditions:
ACVRL1-related disorder. Also called: ACVRL1-related disorders; ACVRL1-related condition.

gnomAD v4.1: 3 of 1,613,360 alleles (0.00019%); highest among the groups gnomAD compares: Non-Finnish European, 0.00025%; no homozygotes.

Submission:

PreventionGenetics, part of Exact Sciences
Classification: Uncertain significance for ACVRL1-related condition. Last evaluated: 2024-06-19. Review status: no assertion criteria provided. Collection method: clinical testing. Allele origin: germline.
Comment: The ACVRL1 c.1378G>A variant is predicted to result in the amino acid substitution p.Val460Ile. To our knowledge, this variant has not been reported in the literature or in a large population database, indicating this variant is rare. At this time, the clinical significance of this variant is uncertain due to the absence of conclusive functional and genetic evidence.